The following is an entry in ClinVar:

ClinVar aggregate classification (germline): Uncertain significance. Review status: criteria provided, multiple submitters, no conflicts (2 of 4 stars). 2 submissions from 2 submitters: Uncertain significance (2). Last evaluated 2024-12-10.

Conditions:
Nemaline myopathy 5 (NEM5A). Also called: NEMALINE MYOPATHY 5A, AUTOSOMAL RECESSIVE, SEVERE INFANTILE; Nemaline myopathy 5, Amish type; NEMALINE MYOPATHY, AMISH TYPE. Identifiers: Orphanet 98902, MedGen C1854380, MONDO:0011539, OMIM 605355.
Inborn genetic diseases. Identifiers: MedGen C0950123, MeSH D030342.

Allele frequency attached by ClinVar (database versions not stated): gnomAD exomes below 0.00001; TOPMed below 0.00001; ExAC 0.00001; gnomAD 0.00001.

Submissions (2):

Ambry Genetics
Classification: Uncertain significance for Inborn genetic diseases. Last evaluated: 2024-12-10. Review status: criteria provided, single submitter. Criteria: Ambry Variant Classification Scheme 2023. Collection method: clinical testing. Allele origin: germline.

Labcorp Genetics (formerly Invitae), Labcorp
Classification: Uncertain significance for Nemaline myopathy 5. Last evaluated: 2022-09-01. Review status: criteria provided, single submitter. Criteria: Invitae Variant Classification Sherloc (09022015). Collection method: clinical testing. Allele origin: germline.
Comment: This sequence change replaces arginine, which is basic and polar, with histidine, which is basic and polar, at codon 172 of the TNNT1 protein (p.Arg172His). This variant is present in population databases (rs749691780, gnomAD 0.003%). This variant has not been reported in the literature in individuals affected with TNNT1-related conditions. ClinVar contains an entry for this variant (Variation ID: 573727). Algorithms developed to predict the effect of missense changes on protein structure and function are either unavailable or do not agree on the potential impact of this missense change (SIFT: "Deleterious"; PolyPhen-2: "Probably Damaging"; Align-GVGD: "Class C0"). In summary, the available evidence is currently insufficient to determine the role of this variant in disease. Therefore, it has been classified as a Variant of Uncertain Significance.

NM_003283.6(TNNT1):c.515G>A (p.Arg172His)

Gene: TNNT1 (troponin T1, slow skeletal type; minus strand). Cytogenetic location: 19q13.42.
Variant type: single nucleotide variant.
Coding change: c.515G>A on transcript NM_003283.6 (MANE Select); coding-DNA position 515, G replaced by A.
Protein change: p.Arg172His; replaces arginine 172 with histidine.
Molecular consequence: missense variant.
Genome position (GRCh38, 1-based): chr19:55,137,199, C>T on the plus strand (G>A on the coding strand, the complement: TNNT1 is on the minus strand). VCF-style: chr19-55137199-C-T. GRCh37 (hg19) VCF-style: chr19-55648567-C-T.
Other names: c.515G>A, p.Arg172His (NM_001126132.3); c.482G>A, p.Arg161His (NM_001126133.3, NM_001291774.2); c.515G>A (NM_003283.4); short protein forms R172H, R161H.
Identifiers: ClinVar variation 573727 (VCV000573727.9), dbSNP rs749691780, ClinGen allele CA9667384.